The following is an entry in ClinVar:

NM_005045.4(RELN):c.9962C>G (p.Pro3321Arg)

Genes: RELN (reelin; minus strand), SLC26A5-AS1 (SLC26A5 antisense RNA 1; plus strand). Cytogenetic location: 7q22.1.
Variant type: single nucleotide variant.
Coding change: c.9962C>G on transcript NM_005045.4 (MANE Select); coding-DNA position 9962, C replaced by G.
Protein change: p.Pro3321Arg; replaces proline 3321 with arginine.
Molecular consequence: missense variant.
Genome position (GRCh38, 1-based): chr7:103,486,218, G>C on the plus strand (C>G on the coding strand, the complement: RELN is on the minus strand). VCF-style: chr7-103486218-G-C. GRCh37 (hg19) VCF-style: chr7-103126665-G-C.
Other names: c.9962C>G, p.Pro3321Arg (NM_173054.3); short protein forms P3321R.
Identifiers: ClinVar variation 951026 (VCV000951026.9), dbSNP rs1828434848, ClinGen allele CA368741019.

ClinVar aggregate classification (germline): Uncertain significance (1 of 4 stars; one submission).

Conditions:
Norman-Roberts syndrome (LIS2). Also called: Lissencephaly 2 (Norman-Roberts type). Identifiers: Orphanet 89844, MedGen C0796089, MONDO:0009760, OMIM 257320.
Familial temporal lobe epilepsy 7. Identifiers: Orphanet 101046, MedGen C4225327, MONDO:0014639, OMIM 616436.

Submission:

Labcorp Genetics (formerly Invitae), Labcorp
Classification: Uncertain significance for Familial temporal lobe epilepsy 7; Norman-Roberts syndrome. Last evaluated: 2019-05-29. Review status: criteria provided, single submitter. Criteria: Invitae Variant Classification Sherloc (09022015). Collection method: clinical testing. Allele origin: germline.
Comment: This sequence change replaces proline with arginine at codon 3321 of the RELN protein (p.Pro3321Arg). The proline residue is moderately conserved and there is a moderate physicochemical difference between proline and arginine. This variant is not present in population databases (ExAC no frequency). This variant has not been reported in the literature in individuals with RELN-related conditions. Algorithms developed to predict the effect of missense changes on protein structure and function are either unavailable or do not agree on the potential impact of this missense change (SIFT: "Deleterious"; PolyPhen-2: "Benign"; Align-GVGD: "Class C0"). In summary, the available evidence is currently insufficient to determine the role of this variant in disease. Therefore, it has been classified as a Variant of Uncertain Significance.